The following is an entry in ClinVar:

NM_001384140.1(PCDH15):c.4203-5_4203-2dup

Gene: PCDH15 (protocadherin related 15; minus strand). Cytogenetic location: 10q21.1.
Variant type: Duplication.
Coding change: c.4203-5_4203-2dup on transcript NM_001384140.1 (MANE Select); 5 bases into the intron before coding-DNA position 4203 through the canonical splice acceptor site of the intron before coding-DNA position 4203, 4 bases duplicated (AACA; older notation c.4203-5_4203-2dupAACA).
Molecular consequence: splice acceptor variant. On other transcripts: intron variant (3).
Genome position (GRCh38, 1-based): chr10:53,828,575-53,828,578, TGTT duplicated on the plus strand (AACA on the coding strand, the reverse complement: PCDH15 is on the minus strand); duplicating any 4 consecutive bases within chr10:53,828,575-53,828,580 gives the same sequence; the c. name uses the placement nearest the transcript's 3' end. VCF-style (leftmost placement, unchanged base first): chr10-53828574-C-CTGTT. GRCh37 (hg19) VCF-style: chr10-55588334-C-CTGTT.
Other names: c.4203-5_4203-2dup (NM_001354420.2, NM_001354429.2, NM_001142772.2 and 3 more transcripts); c.4218-5_4218-2dup (NM_001142771.2, NM_001142763.2); c.4224-5_4224-2dup (NM_001354411.2); c.4239-5_4239-2dup (NM_001142769.3); c.4137-5_4137-2dup (NM_001354404.2, NM_001142768.2); c.4137-1030_4137-1027dup (NM_001142773.2); c.4092-1030_4092-1027dup (NM_001142767.2); c.3990-5_3990-2dup (NM_001142765.2); and 1 more.
Identifiers: ClinVar variation 2418611 (VCV002418611.4), dbSNP rs2076842002, ClinGen allele CA1910752509.

ClinVar aggregate classification (germline): Uncertain significance (1 of 4 stars; one submission).

Submission:

Labcorp Genetics (formerly Invitae), Labcorp
Classification: Uncertain significance. Last evaluated: 2023-07-07. Review status: criteria provided, single submitter. Criteria: Invitae Variant Classification Sherloc (09022015). Collection method: clinical testing. Allele origin: germline.
Comment: This sequence change falls in intron 30 of the PCDH15 gene. It does not directly change the encoded amino acid sequence of the PCDH15 protein. This variant is not present in population databases (gnomAD no frequency). This variant has not been reported in the literature in individuals affected with PCDH15-related conditions. ClinVar contains an entry for this variant (Variation ID: 2418611). Algorithms developed to predict the effect of sequence changes on RNA splicing suggest that this variant may disrupt the consensus splice site. In summary, the available evidence is currently insufficient to determine the role of this variant in disease. Therefore, it has been classified as a Variant of Uncertain Significance.